The following is an entry in ClinVar:

NM_013436.5(NCKAP1):c.2269G>A (p.Val757Met)

Gene: NCKAP1 (NCK associated protein 1; minus strand). Cytogenetic location: 2q32.1.
Variant type: single nucleotide variant.
Coding change: c.2269G>A on transcript NM_013436.5 (MANE Select); coding-DNA position 2269, G replaced by A.
Protein change: p.Val757Met; replaces valine 757 with methionine.
Molecular consequence: missense variant.
Genome position (GRCh38, 1-based): chr2:182,953,216, C>T on the plus strand (G>A on the coding strand, the complement: NCKAP1 is on the minus strand). VCF-style: chr2-182953216-C-T. GRCh37 (hg19) VCF-style: chr2-183817944-C-T.
Other names: c.2287G>A, p.Val763Met (NM_205842.3); short protein forms V757M, V763M.
Identifiers: ClinVar variation 1723703 (VCV001723703.2), dbSNP rs2468587730, ClinGen allele CA349757695.

ClinVar aggregate classification (germline): Uncertain significance (1 of 4 stars; one submission).

Submission:

GeneDx
Classification: Uncertain significance. Last evaluated: 2022-05-08. Review status: criteria provided, single submitter. Criteria: GeneDx Variant Classification Process June 2021. Collection method: clinical testing. Allele origin: germline. Affected: yes.
Comment: Not observed at significant frequency in large population cohorts (gnomAD); In silico analysis supports that this missense variant does not alter protein structure/function; Has not been previously published as pathogenic or benign to our knowledge